The following is an entry in ClinVar:

NM_015967.8(PTPN22):c.462C>T (p.Gly154=)

Genes: AP4B1-AS1 (AP4B1 antisense RNA 1; plus strand), PTPN22 (protein tyrosine phosphatase non-receptor type 22; minus strand). Cytogenetic location: 1p13.2.
Variant type: single nucleotide variant.
Coding change: c.462C>T on transcript NM_015967.8 (MANE Select); coding-DNA position 462, C replaced by T.
Protein change: p.Gly154=; no amino-acid change (glycine 154 retained).
Molecular consequence: synonymous variant. On other transcripts: intron variant (1).
Genome position (GRCh38, 1-based): chr1:113,856,566, G>A on the plus strand (C>T on the coding strand, the complement: PTPN22 is on the minus strand). VCF-style: chr1-113856566-G-A. GRCh37 (hg19) VCF-style: chr1-114399188-G-A.
Other names: c.462C>T, p.Gly154= (NM_001193431.3, NM_012411.6); c.409-125C>T (NM_001308297.2).
Identifiers: ClinVar variation 2639002 (VCV002639002.23), dbSNP rs373794502, ClinGen allele CA1015300.

ClinVar aggregate classification (germline): Likely benign (1 of 4 stars; one submission).

Allele frequency attached by ClinVar (database versions not stated): ExAC 0.00003; gnomAD 0.00005; TOPMed 0.00005; gnomAD exomes 0.00010; ESP Exome Variant Server 0.00015.
gnomAD v4.1: 166 of 1,614,014 alleles (0.01%); highest among the groups gnomAD compares: Non-Finnish European, 0.013%; no homozygotes.

Submission:

CeGaT Center for Human Genetics Tuebingen
Classification: Likely benign. Last evaluated: 2023-08-01. Review status: criteria provided, single submitter. Criteria: CeGaT Center For Human Genetics Tuebingen Variant Classification Criteria Version 2. Collection method: clinical testing. Allele origin: germline. Affected: yes. Observed: 1 variant allele.
Comment: PTPN22: BP4, BP7